The following is an entry in ClinVar:

ClinVar aggregate classification (germline): Uncertain significance. Review status: criteria provided, multiple submitters, no conflicts (2 of 4 stars). 2 submissions from 2 submitters: Uncertain significance (2). Last evaluated 2024-12-26.

Conditions:
Autosomal recessive nonsyndromic hearing loss 61. Identifiers: Orphanet 90636, MedGen C3151230, MONDO:0013471, OMIM 613865.

gnomAD v4.1: 1 of 1,613,458 alleles (0.000062%); no homozygotes.

Submissions (2):

Laboratory of Prof. Karen Avraham, Tel Aviv University
Classification: Uncertain significance for Autosomal recessive nonsyndromic hearing loss 61. Last evaluated: 2024-12-26. Review status: criteria provided, single submitter. Criteria: ACMG Guidelines, 2015. Collection method: research. Allele origin: germline. Affected: yes. Observed: 1 variant allele.
Comment: The SLC26A5 c.1487T>C:p.(Leu496Pro) variant is very rare and predicted deleterious.

Blueprint Genetics
Classification: Uncertain significance. Last evaluated: 2020-08-28. Review status: criteria provided, single submitter. Criteria: ACMG Guidelines, 2015. Collection method: clinical testing. Allele origin: germline.

NM_198999.3(SLC26A5):c.1487T>C (p.Leu496Pro)

Gene: SLC26A5 (solute carrier family 26 member 5; minus strand). Cytogenetic location: 7q22.1.
Variant type: single nucleotide variant.
Coding change: c.1487T>C on transcript NM_198999.3 (MANE Select); coding-DNA position 1487, T replaced by C.
Protein change: p.Leu496Pro; replaces leucine 496 with proline.
Molecular consequence: missense variant. On other transcripts: non-coding transcript variant (5), intron variant (1).
Genome position (GRCh38, 1-based): chr7:103,389,035, A>G on the plus strand (T>C on the coding strand, the complement: SLC26A5 is on the minus strand). VCF-style: chr7-103389035-A-G. GRCh37 (hg19) VCF-style: chr7-103029482-A-G.
Other names: DFNB61; c.1391T>C, p.Leu464Pro (NM_001167962.2, NM_001321787.2); c.1487T>C, p.Leu496Pro (NM_206883.3, NM_206884.3); c.971+8897T>C (NM_206885.3); short protein forms L464P, L496P.
Identifiers: ClinVar variation 3393406 (VCV003393406.2).
Genomic context (GRCh38, chr7:103,389,035, plus strand): 5'-GACATTCACACCCATTCCAATCTGGGCACTCACCTCTGTGTTCTGTAAATCACAGTCAGC[A>G]GAGCAATGATCACAGCAGTGATCAAACCATAGTCCAATCCCAGGAACAAGGAGGACACAA-3'
Protein context (NP_945350.1, residues 486-506): YGLITAVIIA[Leu496Pro]LTVIYRTQSP